The following is an entry in ClinVar:

NM_000179.3(MSH6):c.3907G>A (p.Ala1303Thr)

Gene: MSH6 (mutS homolog 6; plus strand). Cytogenetic location: 2p16.3.
Variant type: single nucleotide variant.
Coding change: c.3907G>A on transcript NM_000179.3 (MANE Select); coding-DNA position 3907, G replaced by A.
Protein change: p.Ala1303Thr; replaces alanine 1303 with threonine.
Molecular consequence: missense variant. On other transcripts: synonymous variant (1).
Genome position (GRCh38, 1-based): chr2:47,806,557, G>A. VCF-style: chr2-47806557-G-A. GRCh37 (hg19) VCF-style: chr2-48033696-G-A.
Other names: c.3517G>A, p.Ala1173Thr (NM_001281492.2); c.3001G>A, p.Ala1001Thr (NM_001281493.2, NM_001281494.2, NM_001406814.1 and 6 more transcripts); c.4003G>A, p.Ala1335Thr (NM_001406795.1); c.3907G>A, p.Ala1303Thr (NM_001406796.1, NM_001406808.1, NM_001406809.1); c.3610G>A, p.Ala1204Thr (NM_001406797.1, NM_001406801.1, NM_001406818.1 and 10 more transcripts); c.3733G>A, p.Ala1245Thr (NM_001406798.1); c.3382G>A, p.Ala1128Thr (NM_001406799.1, NM_001406806.1, NM_001406807.1); c.3894G>A, p.Gln1298= (NM_001406800.1); and 8 more; short protein forms A1001T, A1128T, A1204T, A1245T, A1277T, A1335T, A618T, A781T.
Identifiers: ClinVar variation 1736069 (VCV001736069.2), dbSNP rs63751064, ClinGen allele CA46719773.

ClinVar aggregate classification (germline): Uncertain significance (1 of 4 stars; one submission).

Conditions:
Hereditary cancer-predisposing syndrome. Also called: Neoplastic Syndromes, Hereditary; Tumor predisposition; Hereditary Cancer Syndrome; Hereditary neoplastic syndrome. Identifiers: Orphanet 140162, MedGen C0027672, MeSH D009386, MONDO:0015356.

Submission:

Ambry Genetics
Classification: Uncertain significance for Hereditary cancer-predisposing syndrome. Last evaluated: 2019-07-28. Review status: criteria provided, single submitter. Criteria: Ambry Variant Classification Scheme 2023. Collection method: clinical testing. Allele origin: germline.
Comment: The p.A1303T variant (also known as c.3907G>A), located in coding exon 9 of the MSH6 gene, results from a G to A substitution at nucleotide position 3907. The alanine at codon 1303 is replaced by threonine, an amino acid with similar properties. This amino acid position is highly conserved in available vertebrate species. In addition, this alteration is predicted to be deleterious by in silico analysis. Since supporting evidence is limited at this time, the clinical significance of this alteration remains unclear.